The following is an entry in ClinVar:

NM_007194.4(CHEK2):c.1259+28A>G

Gene: CHEK2 (checkpoint kinase 2; minus strand). Cytogenetic location: 22q12.1.
Variant type: single nucleotide variant.
Coding change: c.1259+28A>G on transcript NM_007194.4 (MANE Select); 28 bases into the intron after coding-DNA position 1259, A replaced by G.
Molecular consequence: intron variant.
Genome position (GRCh38, 1-based): chr22:28,695,682, T>C on the plus strand (A>G on the coding strand, the complement: CHEK2 is on the minus strand). VCF-style: chr22-28695682-T-C. GRCh37 (hg19) VCF-style: chr22-29091670-T-C.
Other names: chr22:29,091,670T>C; c.596+28A>G (NM_001437942.1, NM_001257387.3); c.1058+28A>G (NM_001349956.3); c.1172+28A>G (NM_145862.3); c.1265+28A>G (NM_001438295.1); c.1352+28A>G (NM_001438293.1); c.1301+28A>G (NM_001438294.1); c.1388+28A>G (NM_001005735.3).
Identifiers: ClinVar variation 126912 (VCV000126912.1), dbSNP rs121908708, ClinGen allele CA230687.

ClinVar aggregate classification (germline): not provided (0 of 4 stars; one submission).

Submission:

Institute. of Biochemistry and Experimental Oncology, First Faculty of Medicine, Charles University in Prague
No classification provided. Review status: no classification provided. Collection method: not provided. Allele origin: germline.
Comment: Characterized in 1 out of 340 Non Hodgkin lymphoma patients